The following is an entry in ClinVar:

NM_000518.4(HBB):c.332T>C (p.Leu111Pro)

Genes: HBB (hemoglobin subunit beta; minus strand), LOC107133510 (origin of replication at HBB; plus strand), LOC110006319 (beta-globin gene 3' regulatory region; plus strand). Cytogenetic location: 11p15.4.
Variant type: single nucleotide variant.
Coding change: c.332T>C on transcript NM_000518.4; coding-DNA position 332, T replaced by C.
Protein change: p.Leu111Pro; replaces leucine 111 with proline.
Molecular consequence: missense variant (on NM_000518.5).
Genome position (GRCh38, 1-based): chr11:5,225,710, A>G on the plus strand (T>C on the coding strand, the complement: HBB is on the minus strand). VCF-style: chr11-5225710-A-G. GRCh37 (hg19) VCF-style: chr11-5246940-A-G.
Other names: L110P; c.332T>C, p.Leu111Pro (NM_000518.5); short protein forms L111P.
Identifiers: ClinVar variation 15352 (VCV000015352.30), dbSNP rs35256489, ClinGen allele CA125166.
Genomic context (GRCh38, chr11:5,225,710, plus strand): 5'-TAGGCAGCCTGCACTGGTGGGGTGAATTCTTTGCCAAAGTGATGGGCCAGCACACAGACC[A>G]GCACGTTGCCCAGGAGCTGTGGGAGGAAGATAAGAGGTATGAACATGATTAGCAAAAGGG-3'
Protein context (NP_000509.1, residues 101-121): PENFRLLGNV[Leu111Pro]VCVLAHHFGK

ClinVar aggregate classification (germline): Pathogenic. Review status: criteria provided, multiple submitters, no conflicts (2 of 4 stars). 9 submissions from 7 submitters: Pathogenic (5). 4 of the submissions do not count toward it. Last evaluated 2025-08-04.

Conditions:
Beta-thalassemia HBB/LCRB. Identifiers: MedGen CN322236, MONDO:0013517, OMIM 613985.
Beta-Showa-Yakushiji thalassemia. Identifiers: MedGen C4017522.
Hb SS disease (SCD). Also called: Hemoglobin SS; Sickle cell anemia; Sickle cell disease; HbS disease; Hemoglobin S Disease; Sickling disorder due to hemoglobin S. Identifiers: Orphanet 232, Orphanet 275752, MedGen C0002895, MONDO:0011382, OMIM 603903.
HEMOGLOBIN SHOWA-YAKUSHIJI.
beta Thalassemia (BTHAL). Also called: Cooley's anemia; Erythroblastic anemia; Mediterranean anemia. Identifiers: Orphanet 848, MedGen C0005283, MONDO:0019402. Disease mechanism: loss of function.
BETA-PLUS-THALASSEMIA. Identifiers: MedGen C3841475.

Allele frequency attached by ClinVar (database versions not stated): gnomAD exomes below 0.00001; ExAC 0.00001; gnomAD 0.00001 and 0.00002; TOPMed 0.00001.

Submissions (9):

Natera, Inc.
Classification: Pathogenic for Beta thalassemia. Last evaluated: 2025-08-04. Review status: criteria provided, single submitter. Criteria: Natera Variant Classification Schema (03/2026). Collection method: clinical testing. Allele origin: germline.
Comment: The c.332T>C variant in HBB is a missense variant predicted to cause substitution of leucine to proline at amino acid 111. This variant is rare in the general population with a frequency below the threshold expected for the associated phenotype(s). This variant has been observed in one or more individuals affected with the associated recessive disease, as either homozygous or compound heterozygous with a second variant (PMID: 1576855, 23530969). Given the available evidence, this variant is classified as Pathogenic.

ARUP Laboratories, Molecular Genetics and Genomics, ARUP Laboratories
Classification: Pathogenic. Last evaluated: 2025-02-07. Review status: criteria provided, single submitter. Criteria: ARUP Molecular Germline Variant Investigation Process 2024. Collection method: clinical testing. Allele origin: germline.
Comment: The Hb Showa-Yakushiji variant (HBB: c.332T>C; p.Leu111Pro, also known as Leu110Pro when numbered from the mature protein, rs35256489, HbVar ID: 485) is reported to be a hyperunstable hemoglobin associated with beta(+) thalassemia (Colah 2008, Edison 2005, Kobayashi 1987, HbVar link). This variant is reported as pathogenic in ClinVar (Variation ID: 15352). It is only observed in one allele in the Genome Aggregation Database, indicating it is not a common polymorphism. The leucine at codon 111 is highly conserved, and computational analyses predict that this variant is deleterious (REVEL: 0.871). Based on available information, this variant is considered to be pathogenic. References: Link to HbVar database: Colah R et al. Hb Showa Yakushiji (beta 110 (G12) Leu-->Pro) in 3 families from Western India: first report on homozygous Hb Showa Yakushiji. Blood Cells Mol Dis. 2008 Sep-Oct;41(2):166-8. PMID: 18495504. Edison ES et al. Hb Showa-Yakushiji (beta110(G12)Leu-->Pro) in four unrelated patients from west Bengal. Hemoglobin. 2005;29(1):19-25. PMID: 15768552. Kobayashi Y et al. A novel globin structural mutant, Showa-Yakushiji (beta 110 Leu-Pro) causing a beta-thalassemia phenotype. Blood. 1987 Nov;70(5):1688-91. PMID: 2822177.

Quest Diagnostics Nichols Institute San Juan Capistrano
Classification: Pathogenic. Last evaluated: 2023-05-22. Review status: criteria provided, single submitter. Criteria: Quest Diagnostics criteria. Collection method: clinical testing. Allele origin: unknown.
Comment: The HBB c.332T>C (p.Leu111Pro) pathogenic variant (also known as Hb Showa-Yakushiji) is reported in the published literature as a hyper unstable variant associated with beta thalassemia major and intermedia (PMIDs: 28670940 (2017), 27263053 (2016), 18495504 (2008), 15768552 (2005), 2634667 (1989), 2822177 (1987)). Analysis of this variant using bioinformatics tools for the prediction of the effect of amino acid changes on protein structure and function yielded predictions that this variant is damaging. Based on the available information, this variant is classified as pathogenic.

Women's Health and Genetics/Laboratory Corporation of America, LabCorp
Classification: Pathogenic for beta Thalassemia. Last evaluated: 2016-08-26. Review status: criteria provided, single submitter. Criteria: LabCorp Variant Classification Summary - May 2015. Collection method: clinical testing. Allele origin: germline.
Comment: Variant summary: The HBB c.332T>C (p.Leu111Pro) variant causes a missense change involving a conserved nucleotide with 4/4 in silico tools (SNPs&GO not captured due to low reliability index) predicting a "damaging" outcome. The variant of interest was observed in the large, broad control population, ExAC, with an allele frequency of 1/121382, which does not exceed the estimated maximal expected allele frequency for a pathogenic HBB variant of 1/89. The variant of interest has been reported in multiple affected individuals in both homozygous and compound heterozygous states. In addition, a reputable database cites the variant as "pathogenic." Therefore, the variant of interest has been classified as Pathogenic.

Baylor Genetics
Classification: Pathogenic for Hb SS disease. Review status: criteria provided, single submitter. Criteria: ACMG Guidelines, 2015. Collection method: clinical testing. Allele origin: germline.

MOLECULAR BIOLOGY AND HUMAN GENETICS DIVISION, THE UNIVERSITY OF BURDWAN
Classification: Pathogenic for Beta-thalassemia HBB/LCRB. Last evaluated: 2024-05-07. Review status: no assertion criteria provided. Collection method: clinical testing. Allele origin: germline. Affected: yes. Observed: 3 variant alleles. Not counted in ClinVar's aggregate classification.
Comment: The HBB c.332T>C (p.Leu111Pro) missence mutation is beta+ type of mutation. When this variant present with other pathogenic HBB mutation leads to severe type of thalassemia. Patients needing blood transfusion, often presented with hepatosplenomegaly, Iron overload. The frequency of the variant among thalassemia patient in Eastern India is 0.29 % as per our multicentric project - A Genetic Diagnostic Algorithm Based Study for Thalassemia in Northern and Eastern Indian Populations, Funded by Dept. of Biotechnology , Govt of India [Project No. BT/PR26461/MED/12/821/2018]

OMIM
Classification: other for HEMOGLOBIN SHOWA-YAKUSHIJI. Last evaluated: 2017-12-12. Review status: no assertion criteria provided. Collection method: literature only. Allele origin: germline. Not counted in ClinVar's aggregate classification.

OMIM
Classification: Pathogenic for BETA-PLUS-THALASSEMIA. Last evaluated: 2005-01-01. Review status: no assertion criteria provided. Collection method: literature only. Allele origin: germline. Not counted in ClinVar's aggregate classification.

OMIM
Classification: Pathogenic for BETA-SHOWA-YAKUSHIJI THALASSEMIA. Last evaluated: 2005-01-01. Review status: no assertion criteria provided. Collection method: literature only. Allele origin: germline. Not counted in ClinVar's aggregate classification.

Literature cited by the submitters: PubMed 1576855 (cited by Natera, Inc.); PubMed 23530969 (cited by Natera, Inc.); PubMed 28670940 (cited by Quest Diagnostics Nichols Institute San Juan Capistrano and MOLECULAR BIOLOGY AND HUMAN GENETICS DIVISION, THE UNIVERSITY OF BURDWAN); PubMed 21119755 (cited by Quest Diagnostics Nichols Institute San Juan Capistrano and Women's Health and Genetics/Laboratory Corporation of America, LabCorp); PubMed 19254853 (cited by Quest Diagnostics Nichols Institute San Juan Capistrano and Women's Health and Genetics/Laboratory Corporation of America, LabCorp); PubMed 10520021 (cited by Quest Diagnostics Nichols Institute San Juan Capistrano and Women's Health and Genetics/Laboratory Corporation of America, LabCorp); PubMed 2822177 (cited by 3 submitters); PubMed 3417300 (cited by 3 submitters); PubMed 2634667 (cited by Quest Diagnostics Nichols Institute San Juan Capistrano); PubMed 15768552 (cited by 3 submitters); PubMed 17486498 (cited by Quest Diagnostics Nichols Institute San Juan Capistrano); PubMed 27263053 (cited by Quest Diagnostics Nichols Institute San Juan Capistrano); PubMed 18495504 (cited by Quest Diagnostics Nichols Institute San Juan Capistrano and Women's Health and Genetics/Laboratory Corporation of America, LabCorp); PubMed 2005117 (cited by Women's Health and Genetics/Laboratory Corporation of America, LabCorp).